The following is an entry in ClinVar:

ClinVar aggregate classification (germline): Pathogenic/Likely pathogenic. Review status: criteria provided, multiple submitters, no conflicts (2 of 4 stars). 5 submissions from 5 submitters: Pathogenic (2); Likely pathogenic (3). Last evaluated 2024-05-21.

Conditions:
Autosomal recessive Alport syndrome (ATS2). Also called: ALPORT SYNDROME 2, AUTOSOMAL RECESSIVE; Alport syndrome type 2; COL4A4 Alport Syndrome and Thin Basement Membrane Nephropathy; COL4A3-Related Nephropathy. Identifiers: Orphanet 63, Orphanet 88919, MedGen C4746745, MONDO:0008762, OMIM 203780.
Hematuria, benign familial, 1 (BFH1). Also called: THIN MEMBRANE NEPHROPATHY. Identifiers: MedGen CN376803, MONDO:0007709, OMIM 141200.
Autosomal dominant Alport syndrome (ATS3A). Also called: ALPORT SYNDROME 3A, AUTOSOMAL DOMINANT; Alport syndrome dominant type; Renal failure and sensorineural hearing loss. Identifiers: Orphanet 63, Orphanet 88918, MedGen C5882663, MONDO:0007086, OMIM 104200.

Allele frequency attached by ClinVar (database versions not stated): gnomAD 0.00001; TOPMed 0.00001.
gnomAD v4.1: 1 of 1,613,678 alleles (0.000062%); highest among the groups gnomAD compares: Admixed American, 0.0017%; no homozygotes.

Submissions (7):

Fulgent Genetics
Classification: Pathogenic for Hematuria, benign familial, 1; Autosomal recessive Alport syndrome. Last evaluated: 2024-05-21. Review status: criteria provided, single submitter. Criteria: ACMG Guidelines, 2015. Collection method: clinical testing. Allele origin: germline.

Laboratorio de Genética Hospitales Universitarios Virgen de las Nieves y Clínico San Cecilio (Granada, Spain), Hospitales Universitarios Virgen de las Nieves y Clínico San Cecilio (Granada, Spain)
Classification: Likely pathogenic for Autosomal recessive Alport syndrome. Last evaluated: 2022-08-03. Review status: criteria provided, single submitter. Criteria: ACMG Guidelines, 2015. Collection method: clinical testing. Allele origin: germline. Inheritance: Autosomal recessive inheritance. Affected: yes. Observed: 1 variant allele.
Comment: ACMG 2015 Criteria: PVS1, PM2, PP3

(GEEPAD) Grupo de Estudio de la Enfermedad Poliquística Autosómica Dominante, Hospitales Universitarios Virgen de las Nieves y San Cecilio (Granada)
Classification: Likely pathogenic for Autosomal dominant Alport syndrome. Last evaluated: 2021-02-08. Review status: criteria provided, single submitter. Criteria: ACMG Guidelines, 2015. Collection method: clinical testing. Allele origin: germline. Inheritance: Autosomal dominant inheritance. Affected: yes. Observed: 5 variant alleles, 5 heterozygotes.
Comment: This variant is a transition of thymine by cytosine in splicing site at intronic region 12 two position before start codificant region at exon 12 . Using ACMG criteria (PVS1, PM2, PP3) we clasified it like likely pathogenic variant.

Molecular Biology Laboratory, Fundació Puigvert
Classification: Pathogenic for Autosomal recessive Alport syndrome. Last evaluated: 2020-02-01. Review status: criteria provided, single submitter. Criteria: ACMG Guidelines, 2015. Collection method: research. Allele origin: germline. Affected: yes. Study: KidneyPanel_2020.

Clinical Genetics Service, Universitary Hospital 12 de Octubre
Classification: Likely pathogenic for Hematuria, benign familial, 1. Review status: criteria provided, single submitter. Criteria: ACMG Guidelines, 2015. Collection method: clinical testing. Allele origin: germline. Affected: yes.

Dr. Peter K. Rogan Lab, Western University
No classification provided (evidence only). Condition: Thyroid cancer, nonmedullary, 1. Review status: no classification provided. Collection method: in vitro. Allele origin: not applicable. Functional consequence: skipped exon. Not counted in ClinVar's aggregate classification.

Dr. Peter K. Rogan Lab, Western University
No classification provided (evidence only). Condition: Nonpapillary renal cell carcinoma. Review status: no classification provided. Collection method: in vitro. Allele origin: not applicable. Functional consequence: skipped exon, retained intron. Not counted in ClinVar's aggregate classification.

Literature cited by the submitters: PubMed 33532864 (cited by Molecular Biology Laboratory, Fundació Puigvert).

NM_000092.5(COL4A4):c.735+2T>C

Gene: COL4A4 (collagen type IV alpha 4 chain; minus strand). Cytogenetic location: 2q36.3.
Variant type: single nucleotide variant.
Coding change: c.735+2T>C on transcript NM_000092.5 (MANE Select); the canonical splice donor site of the intron after coding-DNA position 735, T replaced by C.
Molecular consequence: splice donor variant.
Genome position (GRCh38, 1-based): chr2:227,108,579, A>G on the plus strand (T>C on the coding strand, the complement: COL4A4 is on the minus strand). VCF-style: chr2-227108579-A-G. GRCh37 (hg19) VCF-style: chr2-227973295-A-G.
Other names: NC_000002.11:g.227973295A>G; c.735+2T>C (NM_000092.4).
Identifiers: ClinVar variation 974385 (VCV000974385.7), dbSNP rs2060993180, ClinGen allele CA350859119.